The following is an entry in ClinVar:

ClinVar aggregate classification (germline): Conflicting classifications of pathogenicity. Review status: criteria provided, conflicting classifications (1 of 4 stars). 8 submissions from 8 submitters: Uncertain significance (7); Likely benign (1). Last evaluated 2025-11-17.

Conditions:
Juvenile polyposis syndrome (JPS). Identifiers: Orphanet 2929, MedGen C0345893, MONDO:0017380, OMIM 174900.
Polyposis syndrome, hereditary mixed, 2. Identifiers: Orphanet 157794, MedGen C1864730, MONDO:0012405, OMIM 610069.
Hereditary cancer-predisposing syndrome. Also called: Hereditary neoplastic syndrome; Neoplastic Syndromes, Hereditary; Tumor predisposition; Hereditary Cancer Syndrome. Identifiers: Orphanet 140162, MedGen C0027672, MeSH D009386, MONDO:0015356.

Allele frequency attached by ClinVar (database versions not stated): gnomAD exomes 0.00001; TOPMed 0.00001; ExAC 0.00002; gnomAD 0.00002; ESP Exome Variant Server 0.00008.
gnomAD v4.1: 16 of 1,613,876 alleles (0.00099%); highest among the groups gnomAD compares: Non-Finnish European, 0.0014%; no homozygotes.

Submissions (8):

Labcorp Genetics (formerly Invitae), Labcorp
Classification: Uncertain significance for Juvenile polyposis syndrome. Last evaluated: 2025-11-17. Review status: criteria provided, single submitter. Criteria: Invitae Variant Classification Sherloc (09022015). Collection method: clinical testing. Allele origin: germline.
Comment: This sequence change replaces aspartic acid, which is acidic and polar, with glycine, which is neutral and non-polar, at codon 196 of the BMPR1A protein (p.Asp196Gly). This variant is present in population databases (rs141608069, gnomAD 0.002%). This variant has not been reported in the literature in individuals affected with BMPR1A-related conditions. ClinVar contains an entry for this variant (Variation ID: 411627). Invitae Evidence Modeling incorporating data from in vitro experimental studies (internal data) indicates that this missense variant is not expected to disrupt BMPR1A function with a negative predictive value of 95%. RNA analysis performed to evaluate the impact of this missense change on mRNA splicing indicates it does not significantly alter splicing (internal data). In summary, the available evidence is currently insufficient to determine the role of this variant in disease. Therefore, it has been classified as a Variant of Uncertain Significance.

Quest Diagnostics Nichols Institute San Juan Capistrano
Classification: Uncertain significance. Last evaluated: 2025-08-11. Review status: criteria provided, single submitter. Criteria: Quest Diagnostics criteria. Collection method: clinical testing. Allele origin: unknown.
Comment: The BMPR1A c.587A>G (p.Asp196Gly) variant has not been reported in individuals with BMPR1A-related conditions in the published literature. The frequency of this variant in the general population (Genome Aggregation Database) is uninformative in the assessment of its pathogenicity. Analysis of this variant using bioinformatics tools for the prediction of the effect of amino acid changes on protein structure and function yielded conflicting predictions that this variant is benign or damaging. Based on the available information, we are unable to determine the clinical significance of this variant.

Color Diagnostics, LLC DBA Color Health
Classification: Uncertain significance for Hereditary cancer-predisposing syndrome. Last evaluated: 2025-01-13. Review status: criteria provided, single submitter. Criteria: ACMG Guidelines, 2015. Collection method: clinical testing. Allele origin: germline.
Comment: This missense variant replaces aspartic acid with glycine at codon 196 of the BMPR1A protein. Computational prediction is inconclusive regarding the impact of this variant on protein structure and function. To our knowledge, functional studies have not been reported for this variant. This variant has not been reported in individuals affected with BMPR1A-related disorders in the literature. This variant has been identified in 3/282766 chromosomes in the general population by the Genome Aggregation Database (gnomAD). The available evidence is insufficient to determine the role of this variant in disease conclusively. Therefore, this variant is classified as a Variant of Uncertain Significance.

Baylor Genetics
Classification: Uncertain significance for Polyposis syndrome, hereditary mixed, 2. Last evaluated: 2023-11-30. Review status: criteria provided, single submitter. Criteria: ACMG Guidelines, 2015. Collection method: clinical testing. Allele origin: unknown.

All of Us Research Program, National Institutes of Health
Classification: Uncertain significance for Juvenile polyposis syndrome. Last evaluated: 2023-09-04. Review status: criteria provided, single submitter. Criteria: ACMG Guidelines, 2015. Collection method: clinical testing. Allele origin: germline. Inheritance: Autosomal dominant inheritance. Observed: 2 variant alleles, 2 heterozygotes.
Comment: This missense variant replaces aspartic acid with glycine at codon 196 of the BMPR1A protein. Computational prediction tools and conservation analyses are inconclusive regarding the impact of this variant on protein structure and function. Splice site prediction tools suggest that this variant may not impact RNA splicing. To our knowledge, functional studies have not been performed for this variant. This variant has not been reported in individuals affected with hereditary cancer in the literature. This variant has been identified in 3/282766 chromosomes in the general population by the Genome Aggregation Database (gnomAD). The available evidence is insufficient to determine the role of this variant in disease conclusively. Therefore, this variant is classified as a Variant of Uncertain Significance.

This study involves interpretation of variants in research participants for the purpose of population health screening. Participant phenotype was not available at the time of variant classification. Additional details can be found in publication PMID: 35346344, PMCID: PMC8962531

Ambry Genetics
Classification: Likely benign for Hereditary cancer-predisposing syndrome. Last evaluated: 2023-03-23. Review status: criteria provided, single submitter. Criteria: Ambry Variant Classification Scheme 2023. Collection method: clinical testing. Allele origin: germline.

Laboratory for Molecular Medicine, Mass General Brigham Personalized Medicine
Classification: Uncertain significance. Last evaluated: 2017-02-26. Review status: criteria provided, single submitter. Criteria: LMM Criteria. Collection method: clinical testing. Allele origin: germline. Observed: 1 variant allele.
Comment: The p.Asp196Gly variant in BMPR1A has not been previously reported in individual s with juvenile polyposis syndrome, but has been identified in 2/66666 of Europe an chromosomes by the Exome Aggregation Consortium (ExAC; dbSNP rs141608069). Computational prediction tools and conservation an alysis do not provide strong support for or against an impact to the protein. In summary, the clinical significance of the p.Asp196Gly variant is uncertain.

GeneDx
Classification: Uncertain significance. Last evaluated: 2016-12-23. Review status: criteria provided, single submitter. Criteria: GeneDx Variant Classification (06012015). Collection method: clinical testing. Allele origin: germline. Affected: yes.
Comment: This variant is denoted BMPR1A c.587A>G at the cDNA level, p.Asp196Gly (D196G) at the protein level, and results in the change of an Aspartic Acid to a Glycine (GAT>GGT). This variant has not, to our knowledge, been published in the literature as pathogenic or benign. BMPR1A Asp196Gly was not observed at a significant allele frequency in the NHLBI Exome Sequencing Project. Since Aspartic Acid and Glycine differ in polarity, charge, size or other properties, this is considered a non-conservative amino acid substitution. BMPR1A Asp196Gly occurs at a position that is conserved across species and is located in the intracellular (IC) domain and within the cytoplasmic topological domain (Howe 2004, UniProt). In silico analyses are inconsistent regarding the effect this variant may have on protein structure and function. Based on currently available evidence, it is unclear whether BMPR1A Asp196Gly is a pathogenic or benign variant. We consider it to be a variant of uncertain significance.

NM_004329.3(BMPR1A):c.587A>G (p.Asp196Gly)

Gene: BMPR1A (bone morphogenetic protein receptor type 1A; plus strand). Cytogenetic location: 10q23.2.
Variant type: single nucleotide variant.
Coding change: c.587A>G on transcript NM_004329.3 (MANE Select); coding-DNA position 587, A replaced by G.
Protein change: p.Asp196Gly; replaces aspartic acid 196 with glycine.
Molecular consequence: missense variant.
Genome position (GRCh38, 1-based): chr10:86,912,296, A>G. VCF-style: chr10-86912296-A-G. GRCh37 (hg19) VCF-style: chr10-88672053-A-G.
Other names: short protein forms D196G.
Identifiers: ClinVar variation 411627 (VCV000411627.23), dbSNP rs141608069, ClinGen allele CA5585560.